The following is an entry in ClinVar:

NM_018089.3(ANKZF1):c.1566A>T (p.Arg522Ser)

Gene: ANKZF1 (ankyrin repeat and zinc finger peptidyl tRNA hydrolase 1; plus strand). Cytogenetic location: 2q35.
Variant type: single nucleotide variant.
Coding change: c.1566A>T on transcript NM_018089.3 (MANE Select); coding-DNA position 1566, A replaced by T.
Protein change: p.Arg522Ser; replaces arginine 522 with serine.
Molecular consequence: missense variant.
Genome position (GRCh38, 1-based): chr2:219,235,187, A>T. VCF-style: chr2-219235187-A-T. GRCh37 (hg19) VCF-style: chr2-220099909-A-T.
Other names: c.1566A>T, p.Arg522Ser (NM_001042410.2); c.936A>T, p.Arg312Ser (NM_001282792.2); short protein forms R312S, R522S.
Identifiers: ClinVar variation 1917528 (VCV001917528.5), dbSNP rs767197234, ClinGen allele CA2121095.

ClinVar aggregate classification (germline): Uncertain significance (1 of 4 stars; one submission).

Allele frequency attached by ClinVar (database versions not stated): gnomAD exomes 0.00001; TOPMed 0.00001; ExAC 0.00003.
gnomAD v4.1: 9 of 1,613,928 alleles (0.00056%); highest among the groups gnomAD compares: Middle Eastern, 0.017%; no homozygotes.

Submission:

Labcorp Genetics (formerly Invitae), Labcorp
Classification: Uncertain significance. Last evaluated: 2025-09-29. Review status: criteria provided, single submitter. Criteria: Invitae Variant Classification Sherloc (09022015). Collection method: clinical testing. Allele origin: germline.
Comment: This sequence change replaces arginine, which is basic and polar, with serine, which is neutral and polar, at codon 522 of the ANKZF1 protein (p.Arg522Ser). This variant is present in population databases (rs767197234, gnomAD 0.003%). This variant has not been reported in the literature in individuals affected with ANKZF1-related conditions. ClinVar contains an entry for this variant (Variation ID: 1917528). An algorithm developed to predict the effect of missense changes on protein structure and function (PolyPhen-2) suggests that this variant is likely to be tolerated. In summary, the available evidence is currently insufficient to determine the role of this variant in disease. Therefore, it has been classified as a Variant of Uncertain Significance.